The following is an entry in ClinVar:

NM_000206.3(IL2RG):c.115+13G>A

Genes: IL2RG (interleukin 2 receptor subunit gamma; minus strand), LOC126863274 (MED14-independent group 3 enhancer GRCh37_chrX:70330888-70332087; plus strand). Cytogenetic location: Xq13.1.
Variant type: single nucleotide variant.
Coding change: c.115+13G>A on transcript NM_000206.3 (MANE Select); 13 bases into the intron after coding-DNA position 115, G replaced by A.
Molecular consequence: intron variant.
Genome position (GRCh38, 1-based): chrX:71,111,412, C>T on the plus strand (G>A on the coding strand, the complement: IL2RG is on the minus strand). VCF-style: chrX-71111412-C-T. GRCh37 (hg19) VCF-style: chrX-70331262-C-T.
Identifiers: ClinVar variation 1919057 (VCV001919057.5), dbSNP rs751152396, ClinGen allele CA10443945.

ClinVar aggregate classification (germline): Uncertain significance (1 of 4 stars; one submission).

Conditions:
X-linked severe combined immunodeficiency (SCIDX1). Also called: IMMUNODEFICIENCY 4; SCID, X-LINKED; SEVERE COMBINED IMMUNODEFICIENCY, X-LINKED, T CELL-NEGATIVE, B CELL-POSITIVE, NK CELL-NEGATIVE; T-B+ severe combined immunodeficiency due to gamma chain deficiency; X-Linked Combined Immunodeficiency Diseases. Identifiers: Orphanet 276, MedGen C6022468, MONDO:0010315, OMIM 300400. Disease mechanism: loss of function.

Allele frequency attached by ClinVar (database versions not stated): ExAC 0.00003.
gnomAD v4.1: 5 of 1,210,967 alleles (0.00041%); highest among the groups gnomAD compares: Non-Finnish European, 0.00045%; no homozygotes.

Submission:

Labcorp Genetics (formerly Invitae), Labcorp
Classification: Uncertain significance for X-linked severe combined immunodeficiency. Last evaluated: 2022-07-25. Review status: criteria provided, single submitter. Criteria: Invitae Variant Classification Sherloc (09022015). Collection method: clinical testing. Allele origin: germline.
Comment: In summary, the available evidence is currently insufficient to determine the role of this variant in disease. Therefore, it has been classified as a Variant of Uncertain Significance. Algorithms developed to predict the effect of sequence changes on RNA splicing suggest that this variant may create or strengthen a splice site. This variant has not been reported in the literature in individuals affected with IL2RG-related conditions. This variant is present in population databases (rs751152396, gnomAD 0.003%). This sequence change falls in intron 1 of the IL2RG gene. It does not directly change the encoded amino acid sequence of the IL2RG protein.